The following is an entry in ClinVar:

NM_014956.5(CEP164):c.4152_4153del (p.Met1385fs)

Gene: CEP164 (centrosomal protein 164; plus strand). Cytogenetic location: 11q23.3.
Variant type: Deletion.
Coding change: c.4152_4153del on transcript NM_014956.5 (MANE Select); coding-DNA positions 4152 to 4153, 2 bases deleted (CA; older notation c.4152_4153delCA).
Protein change: p.Met1385fs; shifts the reading frame from methionine 1385.
Molecular consequence: frameshift variant.
Genome position (GRCh38, 1-based): chr11:117,410,883-117,410,884, CA deleted; deleting any 2 consecutive bases within chr11:117,410,882-117,410,884 gives the same sequence; the c. name uses the placement nearest the transcript's 3' end. VCF-style (leftmost placement, unchanged base first): chr11-117410881-TAC-T. GRCh37 (hg19) VCF-style: chr11-117281597-TAC-T.
Other names: c.4137_4138del, p.Met1380fs (NM_001271933.2); c.4158_4159del, p.Met1387fs (NM_001440949.1); c.4152_4153del, p.Met1385fs (NM_001440950.1, NM_001440951.1); c.4143_4144del, p.Met1382fs (NM_001440952.1); c.4128_4129del, p.Met1377fs (NM_001440953.1); c.4074_4075del, p.Met1359fs (NM_001440954.1, NM_001440955.1); c.4065_4066del, p.Met1356fs (NM_001440956.1); c.4062_4063del, p.Met1355fs (NM_001440957.1); and 21 more; short protein forms M1260fs, M1266fs, M1309fs, M1327fs, M1330fs, M1335fs, M1377fs, M1387fs.
Identifiers: ClinVar variation 4710772 (VCV004710772.1).
Genomic context (GRCh38, chr11:117,410,881, plus strand): 5'-CTTCCAGCTGGCATCCCGCTGCTCAGCAACAGCCCCACCCCGCTGGAGAGCAGGCTGGGT[TAC>T]ATGTCTGCCAGGTGAGCCTCCCTGGGGGCTGGTTGGGGTGGAACGTCATAGTCGAGCTGC-3'

ClinVar aggregate classification (germline): Pathogenic (1 of 4 stars; one submission).

Conditions:
Nephronophthisis 15 (NPHP15). Identifiers: Orphanet 3156, MedGen C3541853, MONDO:0013917, OMIM 614845.

Submission:

Labcorp Genetics (formerly Invitae), Labcorp
Classification: Pathogenic for Nephronophthisis 15. Last evaluated: 2025-04-19. Review status: criteria provided, single submitter. Criteria: Invitae Variant Classification Sherloc (09022015). Collection method: clinical testing. Allele origin: germline.
Comment: This sequence change creates a premature translational stop signal (p.Met1385Valfs*4) in the CEP164 gene. It is expected to result in an absent or disrupted protein product. Loss-of-function variants in CEP164 are known to be pathogenic (PMID: 22863007, 28125082, 32367404, 34132027, 34499853). This variant is present in population databases (no rsID available, gnomAD 0.003%). This variant has not been reported in the literature in individuals affected with CEP164-related conditions. For these reasons, this variant has been classified as Pathogenic.

Literature cited by the submitters: PubMed 22863007; PubMed 28125082; PubMed 32367404; PubMed 34132027; PubMed 34499853.